The following is an entry in ClinVar:

NM_001384474.1(LOXHD1):c.759+2T>A

Gene: LOXHD1 (lipoxygenase homology PLAT domains 1; minus strand). Cytogenetic location: 18q21.1.
Variant type: single nucleotide variant.
Coding change: c.759+2T>A on transcript NM_001384474.1 (MANE Select); the canonical splice donor site of the intron after coding-DNA position 759, T replaced by A.
Molecular consequence: splice donor variant.
Genome position (GRCh38, 1-based): chr18:46,610,774, A>T on the plus strand (T>A on the coding strand, the complement: LOXHD1 is on the minus strand). VCF-style: chr18-46610774-A-T. GRCh37 (hg19) VCF-style: chr18-44190737-A-T.
Other names: c.759+2T>A (NM_144612.7).
Identifiers: ClinVar variation 3384029 (VCV003384029.1).

ClinVar aggregate classification (germline): Pathogenic (1 of 4 stars; one submission).

Conditions:
Deafness. Identifiers: MedGen C0011053.

Submission:

Dubai Health Genomic Medicine Center, Dubai Health
Classification: Pathogenic for Deafness. Last evaluated: 2024-10-04. Review status: criteria provided, single submitter. Criteria: ACMG Guidelines, 2015. Collection method: research. Allele origin: germline. Affected: yes.
Comment: PVS1,PM2,PM3